The following is an entry in ClinVar:

NM_014225.6(PPP2R1A):c.1230G>C (p.Glu410Asp)

Gene: PPP2R1A (protein phosphatase 2 scaffold subunit Aalpha; plus strand). Cytogenetic location: 19q13.41.
Variant type: single nucleotide variant.
Coding change: c.1230G>C on transcript NM_014225.6 (MANE Select); coding-DNA position 1230, G replaced by C.
Protein change: p.Glu410Asp; replaces glutamic acid 410 with aspartic acid.
Molecular consequence: missense variant. On other transcripts: non-coding transcript variant (1).
Genome position (GRCh38, 1-based): chr19:52,219,792, G>C. VCF-style: chr19-52219792-G-C. GRCh37 (hg19) VCF-style: chr19-52723045-G-C.
Other names: c.693G>C, p.Glu231Asp (NM_001363656.2); short protein forms E231D, E410D.
Identifiers: ClinVar variation 3665035 (VCV003665035.2).
Genomic context (GRCh38, chr19:52,219,792, plus strand): 5'-TGTGAACGAGGTGATTGGCATCCGGCAGCTGTCCCAGTCCCTGCTCCCTGCCATTGTGGA[G>C]CTGGCTGAGGACGCCAAGTGGCGGGTGCGGCTGGCCATCATTGAGTACATGCCCCTCCTG-3'
Protein context (NP_055040.2, residues 400-420): LSQSLLPAIV[Glu410Asp]LAEDAKWRVR

ClinVar aggregate classification (germline): Uncertain significance (1 of 4 stars; one submission).

gnomAD v4.1: 1 of 1,613,892 alleles (0.000062%); highest among the groups gnomAD compares: African/African-American, 0.0013%; no homozygotes.

Submission:

Labcorp Genetics (formerly Invitae), Labcorp
Classification: Uncertain significance. Last evaluated: 2024-09-29. Review status: criteria provided, single submitter. Criteria: Invitae Variant Classification Sherloc (09022015). Collection method: clinical testing. Allele origin: germline.
Comment: This sequence change replaces glutamic acid, which is acidic and polar, with aspartic acid, which is acidic and polar, at codon 410 of the PPP2R1A protein (p.Glu410Asp). This variant is present in population databases (no rsID available, gnomAD 0.007%). This variant has not been reported in the literature in individuals affected with PPP2R1A-related conditions. Invitae Evidence Modeling of protein sequence and biophysical properties (such as structural, functional, and spatial information, amino acid conservation, physicochemical variation, residue mobility, and thermodynamic stability) indicates that this missense variant is not expected to disrupt PPP2R1A protein function with a negative predictive value of 80%. In summary, the available evidence is currently insufficient to determine the role of this variant in disease. Therefore, it has been classified as a Variant of Uncertain Significance.